The following is an entry in ClinVar:

NM_024337.4(IRX1):c.189G>A (p.Met63Ile)

Gene: IRX1 (iroquois homeobox 1; plus strand). Cytogenetic location: 5p15.33.
Variant type: single nucleotide variant.
Coding change: c.189G>A on transcript NM_024337.4 (MANE Select); coding-DNA position 189, G replaced by A.
Protein change: p.Met63Ile; replaces methionine 63 with isoleucine.
Molecular consequence: missense variant.
Genome position (GRCh38, 1-based): chr5:3,596,294, G>A. VCF-style: chr5-3596294-G-A. GRCh37 (hg19) VCF-style: chr5-3596408-G-A.
Other names: short protein forms M63I.
Identifiers: ClinVar variation 2655280 (VCV002655280.24), dbSNP rs2477392429, ClinGen allele CA359094950.
Genomic context (GRCh38, chr5:3,596,294, plus strand): 5'-GGGGGCCGCGGAGCTGGGCGGCGGGGCAGGCGCGGCTGCAGTCACCTCGGTGCTGGGCAT[G>A]TACGCGGCGGCGGGGCCGTACGCGGGCGCGCCCAACTACAGCGCCTTCCTGCCCTACGCC-3'
Protein context (NP_077313.3, residues 53-73): GAAAVTSVLG[Met63Ile]YAAAGPYAGA

ClinVar aggregate classification (germline): Uncertain significance (1 of 4 stars; one submission).

Submission:

CeGaT Center for Human Genetics Tuebingen
Classification: Uncertain significance. Last evaluated: 2023-07-01. Review status: criteria provided, single submitter. Criteria: CeGaT Center For Human Genetics Tuebingen Variant Classification Criteria Version 2. Collection method: clinical testing. Allele origin: germline. Affected: yes. Observed: 1 variant allele.
Comment: IRX1: PM2